The following is an entry in ClinVar:

NM_001004312.2(RTP2):c.201T>G (p.Ser67=)

Gene: RTP2 (receptor transporter protein 2; minus strand). Cytogenetic location: 3q27.3.
Variant type: single nucleotide variant.
Coding change: c.201T>G on transcript NM_001004312.2 (MANE Select); coding-DNA position 201, T replaced by G.
Protein change: p.Ser67=; no amino-acid change (serine 67 retained).
Molecular consequence: synonymous variant.
Genome position (GRCh38, 1-based): chr3:187,698,975, A>C on the plus strand (T>G on the coding strand, the complement: RTP2 is on the minus strand). VCF-style: chr3-187698975-A-C. GRCh37 (hg19) VCF-style: chr3-187416763-A-C.
Identifiers: ClinVar variation 2654350 (VCV002654350.24), dbSNP rs201463202, ClinGen allele CA89700445.

ClinVar aggregate classification (germline): Likely benign (1 of 4 stars; one submission).

Allele frequency attached by ClinVar (database versions not stated): gnomAD exomes below 0.00001.
gnomAD v4.1: 3 of 1,588,788 alleles (0.00019%); highest among the groups gnomAD compares: Non-Finnish European, 0.00026%; no homozygotes.

Submission:

CeGaT Center for Human Genetics Tuebingen
Classification: Likely benign. Last evaluated: 2025-11-01. Review status: criteria provided, single submitter. Criteria: CeGaT Center For Human Genetics Tuebingen Variant Classification Criteria Version 2. Collection method: clinical testing. Allele origin: germline. Affected: yes. Observed: 3 variant alleles.
Comment: RTP2: BP4, BP7